The following is an entry in ClinVar:

ClinVar aggregate classification (germline): Pathogenic (1 of 4 stars; one submission).

Submission:

Athena Diagnostics
Classification: Pathogenic. Last evaluated: 2021-08-26. Review status: criteria provided, single submitter. Criteria: Athena Diagnostics Criteria. Collection method: clinical testing. Allele origin: unknown.
Comment: This variant is expected to result in the loss of a functional protein. This variant has not been reported in large, multi-ethnic general populations. This variant has been identified in at least one individual tested at Athena Diagnostics with clinical features associated with this gene.

NM_001042492.3(NF1):c.3820_3823del (p.Leu1274fs)

Gene: NF1 (neurofibromin 1; plus strand). Cytogenetic location: 17q11.2.
Variant type: Microsatellite.
Coding change: c.3820_3823del on transcript NM_001042492.3 (MANE Select); coding-DNA positions 3820 to 3823, 4 bases deleted (CTCT; older notation c.3820_3823delCTCT).
Protein change: p.Leu1274fs; shifts the reading frame from leucine 1274.
Molecular consequence: frameshift variant.
Genome position (GRCh38, 1-based): chr17:31,235,722-31,235,725, CTCT deleted; deleting any 4 consecutive bases within chr17:31,235,720-31,235,725 gives the same sequence; the c. name uses the placement nearest the transcript's 3' end. VCF-style (leftmost placement, unchanged base first): chr17-31235719-ACTCT-A. GRCh37 (hg19) VCF-style: chr17-29562737-ACTCT-A.
Other names: c.3818_3819CT[1], p.Leu1274Serfs (NM_000267.4); short protein forms L1274fs.
Identifiers: ClinVar variation 1807295 (VCV001807295.1), dbSNP rs1555615472, ClinGen allele CA2580614095.
Genomic context (GRCh38, chr17:31,235,719, plus strand): 5'-CTCTACCAACTGCTCTGGAACATGTTTTCTAAAGAAGTAGAATTGGCAGACTCCATGCAG[ACTCT>A]CTTCCGAGGCAACAGCTTGGCCAGTAAAATAATGACATTCTGTTTCAAGGTTTGTATCAT-3'